The following is an entry in ClinVar:

NM_000860.6(HPGD):c.748G>A (p.Gly250Arg)

Gene: HPGD (15-hydroxyprostaglandin dehydrogenase; minus strand). Cytogenetic location: 4q34.1.
Variant type: single nucleotide variant.
Coding change: c.748G>A on transcript NM_000860.6 (MANE Select); coding-DNA position 748, G replaced by A.
Protein change: p.Gly250Arg; replaces glycine 250 with arginine.
Molecular consequence: missense variant. On other transcripts: 3 prime UTR variant (2).
Genome position (GRCh38, 1-based): chr4:174,492,009, C>T on the plus strand (G>A on the coding strand, the complement: HPGD is on the minus strand). VCF-style: chr4-174492009-C-T. GRCh37 (hg19) VCF-style: chr4-175413160-C-T.
Other names: c.*47G>A (NM_001145816.3); c.385G>A, p.Gly129Arg (NM_001256301.1, NM_001256307.2); c.*75G>A (NM_001256305.2); c.544G>A, p.Gly182Arg (NM_001256306.2); short protein forms G250R, G129R, G182R.
Identifiers: ClinVar variation 1928936 (VCV001928936.5), dbSNP rs866608536, ClinGen allele CA111125622.

ClinVar aggregate classification (germline): Uncertain significance (1 of 4 stars; one submission).

Submission:

Labcorp Genetics (formerly Invitae), Labcorp
Classification: Uncertain significance. Last evaluated: 2022-05-19. Review status: criteria provided, single submitter. Criteria: Invitae Variant Classification Sherloc (09022015). Collection method: clinical testing. Allele origin: germline.
Comment: Algorithms developed to predict the effect of missense changes on protein structure and function are either unavailable or do not agree on the potential impact of this missense change (SIFT: "Deleterious"; PolyPhen-2: "Probably Damaging"; Align-GVGD: "Class C0"). This sequence change replaces glycine, which is neutral and non-polar, with arginine, which is basic and polar, at codon 250 of the HPGD protein (p.Gly250Arg). This variant is not present in population databases (gnomAD no frequency). This variant has not been reported in the literature in individuals affected with HPGD-related conditions. In summary, the available evidence is currently insufficient to determine the role of this variant in disease. Therefore, it has been classified as a Variant of Uncertain Significance.